The following is an entry in ClinVar:

ClinVar aggregate classification (germline): Likely pathogenic (1 of 4 stars; one submission).

Conditions:
Intellectual developmental disorder, X-linked 104. Also called: Intellectual disability, X-linked 104. Identifiers: MedGen C4310817, MONDO:0010509, OMIM 300983.

Submission:

Institute of Human Genetics, FAU Erlangen, Friedrich-Alexander-Universität Erlangen-Nürnberg
Classification: Likely pathogenic for Intellectual developmental disorder, X-linked 104. Last evaluated: 2023-06-20. Review status: criteria provided, single submitter. Criteria: Hauer et al. (Genet Med. 2018). Collection method: clinical testing. Allele origin: germline. Inheritance: X-linked recessive inheritance. Affected: yes. Observed: 2 variant alleles.
Comment: This variant has been identified by standard clinical testing. Selected ACMG criteria: Likely pathogenic (I):PM2;PVS1

NM_001368397.1(FRMPD4):c.3024dup (p.Asp1009Ter)

Gene: FRMPD4 (FERM and PDZ domain containing 4; plus strand). Cytogenetic location: Xp22.2.
Variant type: Duplication.
Coding change: c.3024dup on transcript NM_001368397.1 (MANE Select); coding-DNA position 3024, one base duplicated (T; older notation c.3024dupT).
Protein change: p.Asp1009Ter; replaces aspartic acid 1009 with a stop codon.
Molecular consequence: nonsense.
Genome position (GRCh38, 1-based): chrX:12,717,850, T duplicated. VCF-style (leftmost placement, unchanged base first): chrX-12717849-C-CT. GRCh37 (hg19) VCF-style: chrX-12735968-C-CT.
Other names: c.3135dup, p.Asp1046Ter (NM_001368395.3, NM_001368398.3); c.3030dup, p.Asp1011Ter (NM_001368396.3); c.3015dup, p.Asp1006Ter (NM_001368399.3); c.2904dup, p.Asp969Ter (NM_001368400.3); c.3000dup, p.Asp1001Ter (NM_001368401.1, NM_001368402.3); c.3024dup, p.Asp1009Ter (NM_014728.3); short protein forms D1001*, D1006*, D1009*, D1011*, D1046*, D969*.
Identifiers: ClinVar variation 2505507 (VCV002505507.1), dbSNP rs2519859595, ClinGen allele CA2580615378.